The following is an entry in ClinVar:

ClinVar aggregate classification (germline): Uncertain significance (1 of 4 stars; one submission).

Submission:

Genetic Services Laboratory, University of Chicago
Classification: Uncertain significance. Last evaluated: 2023-11-06. Review status: criteria provided, single submitter. Criteria: ACMG Guidelines, 2015. Collection method: clinical testing. Allele origin: germline. Affected: no.
Comment: DNA sequence analysis of the TERT gene demonstrated a sequence change in the promoter region, c.-212C>A. This sequence change has not been described in population databases (ExAC and gnomAD). This change does not appear to have been previously described in individuals with TERT-related disorders. It is possible that this sequence change represents a benign sequence change in the TERT gene that has not been identified to date. The functional significance of this sequence change is not known at present and its contribution to this individual's disease phenotype cannot definitively be determined.

NM_198253.2(TERT):c.-212C>A

Genes: TERT (telomerase reverse transcriptase; minus strand), LOC110806263 (TERT 5' regulatory region; plus strand). Cytogenetic location: 5p15.33.
Variant type: single nucleotide variant.
Coding change: c.-212C>A on transcript NM_198253.2; 212 bases upstream of the start codon, C replaced by A.
Genome position (GRCh38, 1-based): chr5:1,295,201, G>T on the plus strand (C>A on the coding strand, the complement: TERT is on the minus strand). VCF-style: chr5-1295201-G-T. GRCh37 (hg19) VCF-style: chr5-1295316-G-T.
Identifiers: ClinVar variation 4082524 (VCV004082524.2).
Genomic context (GRCh38, chr5:1,295,201, plus strand): 5'-TCGGGACGGGGCGGGGTCCGCGCGGAGGAGGCGGAGCTGGAAGGTGAAGGGGCAGGACGG[G>T]TGCCCGGGTCCCCAGTCCCTCCGCCACGTGGGAAGCGCGGTCCTGGGCGTCTGTGCCCGC-3'